The following is an entry in ClinVar:

NM_005431.2(XRCC2):c.245A>G (p.Asp82Gly)

Gene: XRCC2 (X-ray repair cross complementing 2; minus strand). Cytogenetic location: 7q36.1.
Variant type: single nucleotide variant.
Coding change: c.245A>G on transcript NM_005431.2 (MANE Select); coding-DNA position 245, A replaced by G.
Protein change: p.Asp82Gly; replaces aspartic acid 82 with glycine.
Molecular consequence: missense variant.
Genome position (GRCh38, 1-based): chr7:152,649,240, T>C on the plus strand (A>G on the coding strand, the complement: XRCC2 is on the minus strand). VCF-style: chr7-152649240-T-C. GRCh37 (hg19) VCF-style: chr7-152346325-T-C.
Other names: short protein forms D82G.
Identifiers: ClinVar variation 1486298 (VCV001486298.6), dbSNP rs763012275, ClinGen allele CA4582366.

ClinVar aggregate classification (germline): Uncertain significance (1 of 4 stars; one submission).

Allele frequency attached by ClinVar (database versions not stated): gnomAD exomes below 0.00001; ExAC 0.00001; gnomAD 0.00001.
gnomAD v4.1: 1 of 1,613,768 alleles (0.000062%); highest among the groups gnomAD compares: Admixed American, 0.0017%; no homozygotes.

Submission:

Labcorp Genetics (formerly Invitae), Labcorp
Classification: Uncertain significance. Last evaluated: 2022-06-01. Review status: criteria provided, single submitter. Criteria: Invitae Variant Classification Sherloc (09022015). Collection method: clinical testing. Allele origin: germline.
Comment: This sequence change replaces aspartic acid, which is acidic and polar, with glycine, which is neutral and non-polar, at codon 82 of the XRCC2 protein (p.Asp82Gly). This variant is present in population databases (rs763012275, gnomAD 0.003%). This variant has not been reported in the literature in individuals affected with XRCC2-related conditions. ClinVar contains an entry for this variant (Variation ID: 1486298). Algorithms developed to predict the effect of missense changes on protein structure and function (SIFT, PolyPhen-2, Align-GVGD) all suggest that this variant is likely to be disruptive. Algorithms developed to predict the effect of sequence changes on RNA splicing suggest that this variant may create or strengthen a splice site. In summary, the available evidence is currently insufficient to determine the role of this variant in disease. Therefore, it has been classified as a Variant of Uncertain Significance.